The following is an entry in ClinVar:

ClinVar aggregate classification (germline): Likely benign (1 of 4 stars; one submission).

Conditions:
KIF5C-related disorder. Also called: KIF5C-related condition.

gnomAD v4.1: 5 of 1,598,594 alleles (0.00031%); highest among the groups gnomAD compares: Admixed American, 0.0052%; no homozygotes.

Submission:

PreventionGenetics, part of Exact Sciences
Classification: Likely benign for KIF5C-related condition. Last evaluated: 2025-03-24. Review status: criteria provided, single submitter. Criteria: ACMG Guidelines, 2015. Collection method: clinical testing. Allele origin: germline.
Comment: This variant is classified as likely benign based on ACMG/AMP sequence variant interpretation guidelines (Richards et al. 2015 PMID: 25741868, with internal and published modifications).

NM_004522.3(KIF5C):c.1305T>C (p.Ile435=)

Gene: KIF5C (kinesin family member 5C; plus strand). Cytogenetic location: 2q23.1.
Variant type: single nucleotide variant.
Coding change: c.1305T>C on transcript NM_004522.3 (MANE Select); coding-DNA position 1305, T replaced by C.
Protein change: p.Ile435=; no amino-acid change (isoleucine 435 retained).
Molecular consequence: synonymous variant. On other transcripts: non-coding transcript variant (1).
Genome position (GRCh38, 1-based): chr2:148,978,933, T>C. VCF-style: chr2-148978933-T-C. GRCh37 (hg19) VCF-style: chr2-149835447-T-C.
Identifiers: ClinVar variation 4985552 (VCV004985552.1).